The following is an entry in ClinVar:

NM_201384.3(PLEC):c.6821A>G (p.Lys2274Arg)

Gene: PLEC (plectin; minus strand). Cytogenetic location: 8q24.3.
Variant type: single nucleotide variant.
Coding change: c.6821A>G on transcript NM_201384.3 (MANE Select); coding-DNA position 6821, A replaced by G.
Protein change: p.Lys2274Arg; replaces lysine 2274 with arginine.
Molecular consequence: missense variant. On other transcripts: intron variant (1).
Genome position (GRCh38, 1-based): chr8:143,923,108, T>C on the plus strand (A>G on the coding strand, the complement: PLEC is on the minus strand). VCF-style: chr8-143923108-T-C. GRCh37 (hg19) VCF-style: chr8-144997276-T-C.
Other names: c.6902A>G, p.Lys2301Arg (NM_000445.5); c.6779A>G, p.Lys2260Arg (NM_201378.4); c.6755A>G, p.Lys2252Arg (NM_201379.3); c.7232A>G, p.Lys2411Arg (NM_201380.4); c.6725A>G, p.Lys2242Arg (NM_201381.3); c.6821A>G, p.Lys2274Arg (NM_201382.4); c.6833A>G, p.Lys2278Arg (NM_201383.3); c.4126-713A>G (NM_001410941.1); short protein forms K2278R, K2301R, K2242R, K2260R, K2252R, K2274R, K2411R.
Identifiers: ClinVar variation 2923820 (VCV002923820.3), dbSNP rs1333769009, ClinGen allele CA372532203.
Genomic context (GRCh38, chr8:143,923,108, plus strand): 5'-CGCAGTCGCGCAGCCTCTTGGGCCGCCACACTCAGCCGCGCGGCCTCCTCCGCCACCTGC[T>C]TCATCTTCTCAGCCTCCTCCTGCAGGAAGCGCTGCGTATTGTCCTTGTCACGCAAGATGA-3'
Protein context (NP_958786.1, residues 2264-2284): RFLQEEAEKM[Lys2274Arg]QVAEEAARLS

ClinVar aggregate classification (germline): Uncertain significance (1 of 4 stars; one submission).

Conditions:
Epidermolysis bullosa simplex with nail dystrophy (EBS5D). Identifiers: MedGen C4225309, MONDO:0014661, OMIM 616487.
Epidermolysis bullosa simplex, Ogna type (EBS5A). Also called: EPIDERMOLYSIS BULLOSA SIMPLEX 5A, OGNA TYPE; Pidermolysis bullosa simplex 5A, Ogna type. Identifiers: Orphanet 79401, MedGen C0432317, MONDO:0007555, OMIM 131950.
Epidermolysis bullosa simplex 5C, with pyloric atresia (EBS5C). Also called: PLEC1-Related Epidermolysis Bullosa with Pyloric Atresia; PLEC-Related Epidermolysis Bullosa with Pyloric Atresia; Epidermolysis bullosa simplex with pyloric atresia. Identifiers: Orphanet 158684, MedGen C2677349, MONDO:0012807, OMIM 612138.
Autosomal recessive limb-girdle muscular dystrophy type 2Q (LGMDR17). Also called: MUSCULAR DYSTROPHY, LIMB-GIRDLE, AUTOSOMAL RECESSIVE 17. Identifiers: Orphanet 254361, MedGen C3150989, MONDO:0013390, OMIM 613723.
Epidermolysis bullosa simplex 5B, with muscular dystrophy (EBS5B). Also called: EPIDERMOLYSIS BULLOSA SIMPLEX AND LIMB-GIRDLE MUSCULAR DYSTROPHY; Epidermolysis bullosa simplex with muscular dystrophy. Identifiers: Orphanet 257, MedGen C2931072, MONDO:0009181, OMIM 226670.

Allele frequency attached by ClinVar (database versions not stated): gnomAD exomes below 0.00001; TOPMed 0.00001.
gnomAD v4.1: 1 of 1,605,716 alleles (0.000062%); highest among the groups gnomAD compares: Non-Finnish European, 0.000085%; no homozygotes.

Submission:

Labcorp Genetics (formerly Invitae), Labcorp
Classification: Uncertain significance for Autosomal recessive limb-girdle muscular dystrophy type 2Q; Epidermolysis bullosa simplex, Ogna type; Epidermolysis bullosa simplex with nail dystrophy; Epidermolysis bullosa simplex 5C, with pyloric atresia; Epidermolysis bullosa simplex 5B, with muscular dystrophy. Last evaluated: 2023-04-09. Review status: criteria provided, single submitter. Criteria: Invitae Variant Classification Sherloc (09022015). Collection method: clinical testing. Allele origin: germline.
Comment: In summary, the available evidence is currently insufficient to determine the role of this variant in disease. Therefore, it has been classified as a Variant of Uncertain Significance. An algorithm developed to predict the effect of missense changes on protein structure and function (PolyPhen-2) suggests that this variant is likely to be tolerated. This variant has not been reported in the literature in individuals affected with PLEC-related conditions. This variant is not present in population databases (gnomAD no frequency). This sequence change replaces lysine, which is basic and polar, with arginine, which is basic and polar, at codon 2301 of the PLEC protein (p.Lys2301Arg).